The following is an entry in ClinVar:

NM_002160.4(TNC):c.3153C>A (p.Val1051=)

Gene: TNC (tenascin C; minus strand). Cytogenetic location: 9q33.1.
Variant type: single nucleotide variant.
Coding change: c.3153C>A on transcript NM_002160.4 (MANE Select); coding-DNA position 3153, C replaced by A.
Protein change: p.Val1051=; no amino-acid change (valine 1051 retained).
Molecular consequence: synonymous variant.
Genome position (GRCh38, 1-based): chr9:115,073,664, G>T on the plus strand (C>A on the coding strand, the complement: TNC is on the minus strand). VCF-style: chr9-115073664-G-T. GRCh37 (hg19) VCF-style: chr9-117835943-G-T.
Other names: c.3153C>A, p.Val1051= (NM_001410991.1).
Identifiers: ClinVar variation 3234325 (VCV003234325.20), dbSNP rs2540510095, ClinGen allele CA466913304.

ClinVar aggregate classification (germline): Likely benign (1 of 4 stars; one submission).

Submission:

CeGaT Center for Human Genetics Tuebingen
Classification: Likely benign. Last evaluated: 2024-03-01. Review status: criteria provided, single submitter. Criteria: CeGaT Center For Human Genetics Tuebingen Variant Classification Criteria Version 2. Collection method: clinical testing. Allele origin: germline. Affected: yes. Observed: 1 variant allele.
Comment: TNC: PM2:Supporting, BP4, BP7